The following is an entry in ClinVar:

NM_000138.5(FBN1):c.1846G>A (p.Glu616Lys)

Gene: FBN1 (fibrillin 1; minus strand). Cytogenetic location: 15q21.1.
Variant type: single nucleotide variant.
Coding change: c.1846G>A on transcript NM_000138.5 (MANE Select); coding-DNA position 1846, G replaced by A.
Protein change: p.Glu616Lys; replaces glutamic acid 616 with lysine.
Molecular consequence: missense variant.
Genome position (GRCh38, 1-based): chr15:48,505,139, C>T on the plus strand (G>A on the coding strand, the complement: FBN1 is on the minus strand). VCF-style: chr15-48505139-C-T. GRCh37 (hg19) VCF-style: chr15-48797336-C-T.
Other names: short protein forms E616K.
Identifiers: ClinVar variation 42294 (VCV000042294.69), dbSNP rs397515764, ClinGen allele CA012592.

ClinVar aggregate classification (germline): Pathogenic/Likely pathogenic. Review status: criteria provided, multiple submitters, no conflicts (2 of 4 stars). 10 submissions from 10 submitters: Pathogenic (1); Likely pathogenic (7). 2 of the submissions do not count toward it. Last evaluated 2026-09-09.

Conditions:
Marfan Syndrome/Loeys-Dietz Syndrome/Familial Thoracic Aortic Aneurysms and Dissections. Identifiers: MedGen CN229799.
Familial thoracic aortic aneurysm and aortic dissection (TAAD). Also called: Thoracic aortic aneurysms and dissections. Identifiers: Orphanet 91387, MedGen C4707243, MONDO:0019625.
Marfan syndrome (MFS). Also called: MARFAN SYNDROME, TYPE I; Marfan syndrome type 1; Marfan's syndrome; FBN1-Related Marfan Syndrome; Marfan syndrome, classic. Identifiers: Orphanet 284963, Orphanet 558, MedGen C0024796, MONDO:0007947, OMIM 154700.
FBN1-related disorder. Also called: FBN1-related disorders.

Submissions (10):

Genome Diagnostics Laboratory, The Hospital for Sick Children
Classification: Likely pathogenic for Marfan syndrome. Last evaluated: 2026-09-09. Review status: criteria provided, single submitter. Criteria: ACMG Guidelines, 2015. Collection method: clinical testing. Allele origin: germline. Affected: yes.
Comment: This missense variant results in a change of glutamic acid to lysine at position 616, and in silico programs predict this variant to be damaging. This variant was observed in individuals with clinical features of Marfan syndrome (PMID: 19293843; PMID: 24793577; PMID: 34150014; PMID: 35237611). A different amino acid change at this position, p.Glu616Gly, has previously been reported in individuals with features of Marfan syndrome (PMID: 10464652). This variant is not observed in populations of the Genome Aggregation Database (gnomAD). Based on the evidence, this variant is classified as a likely pathogenic variant (ACMG Criteria: PS4, PM2, PP3).

Ambry Genetics
Classification: Likely pathogenic for Familial thoracic aortic aneurysm and aortic dissection. Last evaluated: 2026-02-02. Review status: criteria provided, single submitter. Criteria: Ambry Variant Classification Scheme 2023. Collection method: clinical testing. Allele origin: germline.
Comment: The p.E616K variant (also known as c.1846G>A), located in coding exon 15 of the FBN1 gene, results from a G to A substitution at nucleotide position 1846. The glutamic acid at codon 616 is replaced by lysine, an amino acid with similar properties. This variant was reported in individual(s) with features consistent with Marfan syndrome (Stheneur C et al. Eur J Hum Genet, 2009 Sep;17:1121-8; Lerner-Ellis JP et al. Mol Genet Metab, 2014 Jun;112:171-6; Li Y et al. Am J Transl Res, 2021 May;13:4281-4295; Zhang M et al. Front Cell Dev Biol, 2021 Feb;9:816397; Yagyu T et al. J Am Heart Assoc, 2023 Apr;12:e028625; Ambry internal data). This variant alters a conserved residue in the calcium-binding consensus sequence of a cbEGF domain and is expected to disrupt FBN1 function (Handford PA et al. Nature. 1991; 351(6322):164-7). This amino acid position is highly conserved in available vertebrate species. In addition, this alteration is predicted to be deleterious by in silico analysis. This variant is considered to be rare based on population cohorts in the Genome Aggregation Database (gnomAD). Based on the majority of available evidence to date, this variant is likely to be pathogenic.

Labcorp Genetics (formerly Invitae), Labcorp
Classification: Pathogenic for Marfan syndrome; Familial thoracic aortic aneurysm and aortic dissection. Last evaluated: 2025-10-21. Review status: criteria provided, single submitter. Criteria: Invitae Variant Classification Sherloc (09022015). Collection method: clinical testing. Allele origin: germline.
Comment: This sequence change replaces glutamic acid, which is acidic and polar, with lysine, which is basic and polar, at codon 616 of the FBN1 protein (p.Glu616Lys). This variant is not present in population databases (gnomAD no frequency). This missense change has been observed in individual(s) with clinical features of Marfan syndrome (PMID: 12938084, 19293843; internal data). ClinVar contains an entry for this variant (Variation ID: 42294). Invitae Evidence Modeling of protein sequence and biophysical properties (such as structural, functional, and spatial information, amino acid conservation, physicochemical variation, residue mobility, and thermodynamic stability) indicates that this missense variant is expected to disrupt FBN1 protein function with a positive predictive value of 95%. This variant disrupts the p.Glu616 amino acid residue in FBN1. Other variant(s) that disrupt this residue have been observed in individuals with FBN1-related conditions (PMID: 10464652), which suggests that this may be a clinically significant amino acid residue. For these reasons, this variant has been classified as Pathogenic.

Clinical Genetics Laboratory, Skane University Hospital Lund
Classification: Likely pathogenic. Last evaluated: 2024-01-22. Review status: criteria provided, single submitter. Criteria: ACMG Guidelines, 2015. Collection method: clinical testing. Allele origin: germline. Affected: yes.

Blueprint Genetics
Classification: Likely pathogenic for FBN1-related disorders. Last evaluated: 2023-09-28. Review status: criteria provided, single submitter. Criteria: ACMG Guidelines, 2015. Collection method: clinical testing. Allele origin: germline. Affected: yes. Observed: 3 variant alleles.

Women's Health and Genetics/Laboratory Corporation of America, LabCorp
Classification: Likely pathogenic for Marfan Syndrome/Loeys-Dietz Syndrome/Familial Thoracic Aortic Aneurysms and Dissections. Last evaluated: 2022-10-03. Review status: criteria provided, single submitter. Criteria: LabCorp Variant Classification Summary - May 2015. Collection method: clinical testing. Allele origin: germline.
Comment: Variant summary: FBN1 c.1846G>A (p.Glu616Lys) results in a conservative amino acid change located in the EGF-like calcium-binding domains (IPR001881) of the encoded protein sequence. Four of five in-silico tools predict a damaging effect of the variant on protein function. The variant was absent in 251434 control chromosomes. c.1846G>A has been reported in the literature in individuals affected with Marfan Syndrome (example: Stheneur_2009, Lerner-Ellis_2014, Zhang_2021 and Li_2021 etc.). These data indicate that the variant is likely to be associated with disease. To our knowledge, no experimental evidence demonstrating an impact on protein function has been reported. Six clinical diagnostic laboratories have submitted clinical-significance assessments for this variant to ClinVar after 2014 and classified as VUS (n=3), Likely pathogenic (n=2) and pathogenic (n=1). Based on the evidence outlined above, the variant was classified as likely pathogenic.

CHEO Genetics Diagnostic Laboratory, Children's Hospital of Eastern Ontario
Classification: Likely pathogenic for Familial thoracic aortic aneurysm and aortic dissection. Last evaluated: 2021-10-19. Review status: criteria provided, single submitter. Criteria: ACMG Guidelines, 2015. Collection method: clinical testing. Allele origin: germline.

GeneDx
Classification: Likely pathogenic. Last evaluated: 2020-11-13. Review status: criteria provided, single submitter. Criteria: GeneDx Variant Classification Process June 2021. Collection method: clinical testing. Allele origin: germline. Affected: yes.
Comment: Not observed in large population cohorts (Lek et al., 2016); In silico analysis supports that this missense variant has a deleterious effect on protein structure/function; This variant is associated with the following publications: (PMID: 32123317, 19293843, 12938084)

Center for Medical Genetics Ghent, University of Ghent
Classification: Likely pathogenic for Marfan syndrome. Last evaluated: 2017-11-07. Review status: no assertion criteria provided. Collection method: clinical testing. Allele origin: germline. Affected: yes. Not counted in ClinVar's aggregate classification.

Laboratory for Molecular Medicine, Mass General Brigham Personalized Medicine
Classification: Uncertain significance. Last evaluated: 2019-03-07. Review status: flagged submission. Criteria: LMM Criteria. Collection method: clinical testing. Allele origin: germline. Observed: 3 variant alleles. Not counted in ClinVar's aggregate classification.
Comment: The p.Glu616Lys variant has been reported in an individual meeting Ghent clinical criteria for Marfan syndrome (Stheneur 2009) and is reported in ClinVar (Variation ID: 42294). In addition, this variant has been identified by our laboratory in 2 individuals. In one family it segregated with 2 affected individuals; however, in the other family it was absent in two affected first degree relatives. This variant was absent from large population studies. Computational prediction tools and conservation analysis suggest that this variant may impact the protein, though this information is not predictive enough to determine pathogenicity. In summary, the clinical significance of this variant is uncertain. ACMG/AMP Criteria applied: PM2; PP3;PP4.
ClinVar note: Reason: Older and outlier claim with insufficient supporting evidence

Literature cited by the submitters: PubMed 19293843 (cited by 5 submitters); PubMed 24793577 (cited by 3 submitters); PubMed 34150014 (cited by 3 submitters); PubMed 35237611 (cited by 3 submitters); PubMed 10464652 (cited by Genome Diagnostics Laboratory, The Hospital for Sick Children and Labcorp Genetics (formerly Invitae), Labcorp); PubMed 37042257 (cited by Ambry Genetics); PubMed 12938084 (cited by Labcorp Genetics (formerly Invitae), Labcorp); PubMed 34550612 (cited by Women's Health and Genetics/Laboratory Corporation of America, LabCorp).